The following is an entry in ClinVar:

ClinVar aggregate classification (germline): Uncertain significance. Review status: criteria provided, multiple submitters, no conflicts (2 of 4 stars). 2 submissions from 2 submitters: Uncertain significance (2). Last evaluated 2024-04-11.

Allele frequency attached by ClinVar (database versions not stated): gnomAD 0.00001; gnomAD exomes 0.00001; TOPMed 0.00002; ExAC 0.00003; ESP Exome Variant Server 0.00008.
gnomAD v4.1: 20 of 1,576,608 alleles (0.0013%); highest among the groups gnomAD compares: East Asian, 0.0069%; no homozygotes.

Submissions (2):

GeneDx
Classification: Uncertain significance. Last evaluated: 2024-04-11. Review status: criteria provided, single submitter. Criteria: GeneDx Variant Classification Process June 2021. Collection method: clinical testing. Allele origin: germline. Affected: yes.
Comment: In silico analysis supports that this missense variant has a deleterious effect on protein structure/function; Has not been previously published as pathogenic or benign to our knowledge; Variants in candidate genes are classified as variants of uncertain significance in accordance with ACMG guidelines (PMID: 25741868)

Ambry Genetics
Classification: Uncertain significance. Last evaluated: 2023-05-18. Review status: criteria provided, single submitter. Criteria: Ambry Variant Classification Scheme 2023. Collection method: clinical testing. Allele origin: germline.

NM_000946.3(PRIM1):c.1063C>T (p.Arg355Cys)

Gene: PRIM1 (DNA primase subunit 1; minus strand). Cytogenetic location: 12q13.3.
Variant type: single nucleotide variant.
Coding change: c.1063C>T on transcript NM_000946.3 (MANE Select); coding-DNA position 1063, C replaced by T.
Protein change: p.Arg355Cys; replaces arginine 355 with cysteine.
Molecular consequence: missense variant.
Genome position (GRCh38, 1-based): chr12:56,738,515, G>A on the plus strand (C>T on the coding strand, the complement: PRIM1 is on the minus strand). VCF-style: chr12-56738515-G-A. GRCh37 (hg19) VCF-style: chr12-57132299-G-A.
Other names: short protein forms R355C.
Identifiers: ClinVar variation 2529550 (VCV002529550.3), dbSNP rs373368001, ClinGen allele CA6637487.